The following is an entry in ClinVar:

NM_002968.3(SALL1):c.1282del (p.Ser428fs)

Gene: SALL1 (spalt like transcription factor 1; minus strand). Cytogenetic location: 16q12.1.
Variant type: Deletion.
Coding change: c.1282del on transcript NM_002968.3 (MANE Select); coding-DNA position 1282, one base deleted (A; older notation c.1282delA).
Protein change: p.Ser428fs; shifts the reading frame from serine 428.
Molecular consequence: frameshift variant.
Genome position (GRCh38, 1-based): chr16:51,140,940, T deleted on the plus strand (A on the coding strand, the reverse complement: SALL1 is on the minus strand); the first of 5 consecutive T bases (chr16:51,140,940-51,140,944); deleting any one gives the same sequence. VCF-style (leftmost placement, unchanged base first): chr16-51140939-CT-C. GRCh37 (hg19) VCF-style: chr16-51174850-CT-C.
Other names: c.991del, p.Ser331fs (NM_001127892.2); c.1282delA (NM_002968.2); short protein forms S331fs, S428fs.
Identifiers: ClinVar variation 3349543 (VCV003349543.2).

ClinVar aggregate classification (germline): Likely pathogenic. Review status: criteria provided, single submitter (1 of 4 stars). 2 submissions from 2 submitters: Likely pathogenic (1). 1 of the submissions does not count toward it. Last evaluated 2021-09-15.

Conditions:
SALL1-related disorder. Also called: SALL1-related condition.

Submissions (2):

Blueprint Genetics
Classification: Likely pathogenic for SALL1-related disorders. Last evaluated: 2021-09-15. Review status: criteria provided, single submitter. Criteria: ACMG Guidelines, 2015. Collection method: clinical testing. Allele origin: germline. Affected: yes. Observed: 1 variant allele.

PreventionGenetics, part of Exact Sciences
Classification: Pathogenic for SALL1-related condition. Last evaluated: 2024-03-15. Review status: no assertion criteria provided. Collection method: clinical testing. Allele origin: germline. Not counted in ClinVar's aggregate classification.
Comment: The SALL1 c.1282delA variant is predicted to result in a frameshift and premature protein termination (p.Ser428Alafs*65). To our knowledge, this variant has not been reported in the literature or in a large population database, indicating this variant is rare. Frameshift variants in SALL1 are expected to be pathogenic. This variant is interpreted as pathogenic.